The following is an entry in ClinVar:

ClinVar aggregate classification (germline): Uncertain significance (1 of 4 stars; one submission).

Conditions:
Polyhydramnios, megalencephaly, and symptomatic epilepsy (PMSE). Also called: PMSE SYNDROME. Identifiers: Orphanet 500533, MedGen C1970203, MONDO:0012611, OMIM 611087.

Submission:

Labcorp Genetics (formerly Invitae), Labcorp
Classification: Uncertain significance for Polyhydramnios, megalencephaly, and symptomatic epilepsy. Last evaluated: 2026-01-19. Review status: criteria provided, single submitter. Criteria: Invitae Variant Classification Sherloc (09022015). Collection method: clinical testing. Allele origin: germline.
Comment: This sequence change replaces serine, which is neutral and polar, with asparagine, which is neutral and polar, at codon 371 of the STRADA protein (p.Ser371Asn). This variant is not present in population databases (gnomAD no frequency). This variant has not been reported in the literature in individuals affected with STRADA-related conditions. An algorithm developed to predict the effect of missense changes on protein structure and function (PolyPhen-2) suggests that this variant is likely to be tolerated. In summary, the available evidence is currently insufficient to determine the role of this variant in disease. Therefore, it has been classified as a Variant of Uncertain Significance.

NM_001003787.4(STRADA):c.1112G>A (p.Ser371Asn)

Gene: STRADA (STE20 related adaptor alpha; minus strand). Cytogenetic location: 17q23.3.
Variant type: single nucleotide variant.
Coding change: c.1112G>A on transcript NM_001003787.4 (MANE Select); coding-DNA position 1112, G replaced by A.
Protein change: p.Ser371Asn; replaces serine 371 with asparagine.
Molecular consequence: missense variant. On other transcripts: 3 prime UTR variant (4), non-coding transcript variant (1), intron variant (1).
Genome position (GRCh38, 1-based): chr17:63,704,036, C>T on the plus strand (G>A on the coding strand, the complement: STRADA is on the minus strand). VCF-style: chr17-63704036-C-T. GRCh37 (hg19) VCF-style: chr17-61781396-C-T.
Other names: c.1001G>A, p.Ser334Asn (NM_001003786.3); c.938G>A, p.Ser313Asn (NM_001003788.3); c.934G>A, p.Ala312Thr (NM_001165969.2); c.889G>A, p.Ala297Thr (NM_001165970.2); c.1088G>A, p.Ser363Asn (NM_001363786.1); c.1025G>A, p.Ser342Asn (NM_001363787.1); c.1021G>A, p.Ala341Thr (NM_001363788.1); c.910G>A, p.Ala304Thr (NM_001363789.1); and 5 more; short protein forms A312T, S313N, S371N, A297T, A304T, A341T, A283T, S334N.
Identifiers: ClinVar variation 4762972 (VCV004762972.1).